The following is an entry in ClinVar:

NM_001384140.1(PCDH15):c.1789del (p.Ser597fs)

Gene: PCDH15 (protocadherin related 15; minus strand). Cytogenetic location: 10q21.1.
Variant type: Deletion.
Coding change: c.1789del on transcript NM_001384140.1 (MANE Select); coding-DNA position 1789, one base deleted (T; older notation c.1789delT).
Protein change: p.Ser597fs; shifts the reading frame from serine 597.
Molecular consequence: frameshift variant. On other transcripts: intron variant (1).
Genome position (GRCh38, 1-based): chr10:54,133,003, A deleted on the plus strand (T on the coding strand, the reverse complement: PCDH15 is on the minus strand). VCF-style (leftmost placement, unchanged base first): chr10-54133002-GA-G. GRCh37 (hg19) VCF-style: chr10-55892762-GA-G.
Other names: c.1804del, p.Ser602fs (NM_001142763.2, NM_001142771.2); c.1789del, p.Ser597fs (NM_001142764.2, NM_001142766.2, NM_001142770.3 and 5 more transcripts); c.1678del, p.Ser560fs (NM_001142767.2); c.1723del, p.Ser575fs (NM_001142768.2, NM_001142773.2, NM_001354404.2); c.1825delT, p.Ser609Profs (NM_001142769.4); c.1810del, p.Ser604fs (NM_001354411.2); c.1784+20097del (NM_001142765.2); short protein forms S575fs, S602fs, S604fs, S560fs, S609fs, S597fs.
Identifiers: ClinVar variation 2001994 (VCV002001994.4), dbSNP rs2540456451, ClinGen allele CA2580081639.

ClinVar aggregate classification (germline): Pathogenic (1 of 4 stars; one submission).

Submission:

Labcorp Genetics (formerly Invitae), Labcorp
Classification: Pathogenic. Last evaluated: 2022-06-02. Review status: criteria provided, single submitter. Criteria: Invitae Variant Classification Sherloc (09022015). Collection method: clinical testing. Allele origin: germline.
Comment: This variant is not present in population databases (gnomAD no frequency). This variant has not been reported in the literature in individuals affected with PCDH15-related conditions. For these reasons, this variant has been classified as Pathogenic. This sequence change creates a premature translational stop signal (p.Ser597Profs*23) in the PCDH15 gene. It is expected to result in an absent or disrupted protein product. Loss-of-function variants in PCDH15 are known to be pathogenic (PMID: 11398101, 11487575, 14570705).

Literature cited by the submitters: PubMed 11398101; PubMed 11487575; PubMed 14570705.